The following is an entry in ClinVar:

ClinVar aggregate classification (germline): Pathogenic/Likely pathogenic. Review status: criteria provided, multiple submitters, no conflicts (2 of 4 stars). 8 submissions from 8 submitters: Pathogenic (5); Likely pathogenic (2). 1 of the submissions does not count toward it. Last evaluated 2025-01-27.

Conditions:
ARSB-related disorder. Also called: ARSB-related condition.
Mucopolysaccharidosis type 6 (MPS6). Also called: N-ACETYLGALACTOSAMINE-4-SULFATASE DEFICIENCY; MPS VI; ARSB DEFICIENCY; ARYLSULFATASE B DEFICIENCY; MPS 6; Maroteaux Lamy syndrome. Identifiers: Orphanet 583, MedGen C0026709, MONDO:0009661, OMIM 253200.

Allele frequency attached by ClinVar (database versions not stated): TOPMed below 0.00001; gnomAD 0.00001.
gnomAD v4.1: 8 of 1,488,434 alleles (0.00054%); highest among the groups gnomAD compares: Admixed American, 0.0021%; no homozygotes.

Submissions (8):

Women's Health and Genetics/Laboratory Corporation of America, LabCorp
Classification: Pathogenic for Mucopolysaccharidosis type 6. Last evaluated: 2025-01-27. Review status: criteria provided, single submitter. Criteria: LabCorp Variant Classification Summary - May 2015. Collection method: clinical testing. Allele origin: germline.
Comment: Variant summary: ARSB c.284G>A (p.Arg95Gln) results in a conservative amino acid change in the encoded protein sequence. Four of five in-silico tools predict a damaging effect of the variant on protein function. The variant allele was found at a frequency of 6.8e-06 in 147456 control chromosomes. c.284G>A has been reported in the literature in compound heterozygous individuals affected with Mucopolysaccharidosis Type VI (Maroteaux-Lamy Syndrome) (Litjens_1996, Invitae). These data indicate that the variant is likely to be associated with disease. At least one publication reports experimental evidence evaluating an impact on protein function. The most pronounced variant effect results in almost loss of protein expression and enzymatic activity (Litjens_1996). The following publication have been ascertained in the context of this evaluation (PMID: 8651289). ClinVar contains an entry for this variant (Variation ID: 884). Based on the evidence outlined above, the variant was classified as pathogenic.

Natera, Inc.
Classification: Likely pathogenic for Mucopolysaccharidosis type VI. Last evaluated: 2024-09-19. Review status: criteria provided, single submitter. Criteria: Natera Variant Classification Schema (03/2026). Collection method: clinical testing. Allele origin: germline.
Comment: The c.284G>A variant in ARSB is a missense variant predicted to cause substitution of arginine to glutamine at amino acid 95. This variant is rare in the general population with a frequency below the threshold expected for the associated phenotype(s). This variant has been observed in one or more individuals affected with the associated recessive disease, as either homozygous or compound heterozygous with a second variant (PMID: 17643332, 8651289). Additionally, this variant has been observed to segregate in affected family members (PMID: 8651289). Computational prediction algorithms indicate this variant is likely to affect gene or protein function. Given the available evidence, this variant is classified as Likely Pathogenic.

Revvity Omics, Revvity
Classification: Pathogenic for Mucopolysaccharidosis type 6. Last evaluated: 2024-06-14. Review status: criteria provided, single submitter. Criteria: ACMG Guidelines, 2015. Collection method: clinical testing. Allele origin: germline.

Labcorp Genetics (formerly Invitae), Labcorp
Classification: Pathogenic for Mucopolysaccharidosis type 6. Last evaluated: 2023-11-01. Review status: criteria provided, single submitter. Criteria: Invitae Variant Classification Sherloc (09022015). Collection method: clinical testing. Allele origin: germline.
Comment: This sequence change replaces arginine, which is basic and polar, with glutamine, which is neutral and polar, at codon 95 of the ARSB protein (p.Arg95Gln). This variant is present in population databases (rs118203942, gnomAD 0.001%). This missense change has been observed in individual(s) with mucopolysaccharidosis type VI (PMID: 8651289; Invitae). ClinVar contains an entry for this variant (Variation ID: 884). Advanced modeling of protein sequence and biophysical properties (such as structural, functional, and spatial information, amino acid conservation, physicochemical variation, residue mobility, and thermodynamic stability) performed at Invitae indicates that this missense variant is expected to disrupt ARSB protein function with a positive predictive value of 95%. Experimental studies have shown that this missense change affects ARSB function (PMID: 8651289). For these reasons, this variant has been classified as Pathogenic.

Blueprint Genetics
Classification: Pathogenic for ARSB-related disorders. Last evaluated: 2021-07-26. Review status: criteria provided, single submitter. Criteria: ACMG Guidelines, 2015. Collection method: clinical testing. Allele origin: germline. Affected: yes. Observed: 1 variant allele.

Laboratory of Diagnosis and Therapy of Lysosomal Disorders, University of Padova
Classification: Likely pathogenic for Mucopolysaccharidosis type 6. Last evaluated: 2018-01-01. Review status: criteria provided, single submitter. Criteria: ACMG Guidelines, 2015. Collection method: curation. Allele origin: germline. Affected: yes.
Comment: In vitro functional studies supportive of a damaging effect on the gene product (low to no ARSB activity in homozygotes; PS3); Very low frequency in ExAc (PM2); Reputable source identifies as pathogenic (PP5)

Eurofins Ntd Llc (ga)
Classification: Pathogenic. Last evaluated: 2013-07-25. Review status: criteria provided, single submitter. Criteria: EGL Classification Definitions 2015. Collection method: clinical testing. Allele origin: germline. Observed: 4 variant alleles, 3 heterozygotes, 1 homozygote.

OMIM
Classification: Pathogenic for MUCOPOLYSACCHARIDOSIS, TYPE VI. Last evaluated: 1996-06-01. Review status: no assertion criteria provided. Collection method: literature only. Allele origin: germline. Not counted in ClinVar's aggregate classification.

Literature cited by the submitters: PubMed 8651289 (cited by 6 submitters); PubMed 17643332 (cited by Natera, Inc. and Laboratory of Diagnosis and Therapy of Lysosomal Disorders, University of Padova); PubMed 17161971 (cited by Laboratory of Diagnosis and Therapy of Lysosomal Disorders, University of Padova); PubMed 17458871 (cited by Laboratory of Diagnosis and Therapy of Lysosomal Disorders, University of Padova and Eurofins Ntd Llc (ga)); PubMed 30118150 (cited by Laboratory of Diagnosis and Therapy of Lysosomal Disorders, University of Padova).

NM_000046.5(ARSB):c.284G>A (p.Arg95Gln)

Genes: ARSB (arylsulfatase B; minus strand), LOC129994126 (ATAC-STARR-seq lymphoblastoid silent region 16127; plus strand). Cytogenetic location: 5q14.1.
Variant type: single nucleotide variant.
Coding change: c.284G>A on transcript NM_000046.5 (MANE Select); coding-DNA position 284, G replaced by A.
Protein change: p.Arg95Gln; replaces arginine 95 with glutamine.
Molecular consequence: missense variant.
Genome position (GRCh38, 1-based): chr5:78,984,965, C>T on the plus strand (G>A on the coding strand, the complement: ARSB is on the minus strand). VCF-style: chr5-78984965-C-T. GRCh37 (hg19) VCF-style: chr5-78280788-C-T.
Other names: c.284G>A, p.Arg95Gln (NM_198709.3); short protein forms R95Q.
Identifiers: ClinVar variation 884 (VCV000000884.15), dbSNP rs118203942, ClinGen allele CA114608.